The following is an entry in ClinVar:

ClinVar aggregate classification (germline): Uncertain significance (1 of 4 stars; one submission).

Conditions:
Cardiovascular phenotype. Identifiers: MedGen CN230736.

gnomAD v4.1: 1 of 1,613,688 alleles (0.000062%); highest among the groups gnomAD compares: Non-Finnish European, 0.000085%; no homozygotes.

Submission:

Ambry Genetics
Classification: Uncertain significance for Cardiovascular phenotype. Last evaluated: 2026-07-07. Review status: criteria provided, single submitter. Criteria: Ambry Variant Classification Scheme 2023. Collection method: clinical testing. Allele origin: germline.
Comment: The p.N319D variant (also known as c.955A>G), located in coding exon 4 of the BAG3 gene, results from an A to G substitution at nucleotide position 955. The asparagine at codon 319 is replaced by aspartic acid, an amino acid with highly similar properties. This amino acid position is conserved. In addition, this alteration is predicted to be tolerated by in silico analysis. Based on the available evidence, the clinical significance of this variant remains unclear.

NM_004281.4(BAG3):c.955A>G (p.Asn319Asp)

Gene: BAG3 (BAG cochaperone 3; plus strand). Cytogenetic location: 10q26.11.
Variant type: single nucleotide variant.
Coding change: c.955A>G on transcript NM_004281.4 (MANE Select); coding-DNA position 955, A replaced by G.
Protein change: p.Asn319Asp; replaces asparagine 319 with aspartic acid.
Molecular consequence: missense variant.
Genome position (GRCh38, 1-based): chr10:119,676,509, A>G. VCF-style: chr10-119676509-A-G. GRCh37 (hg19) VCF-style: chr10-121436021-A-G.
Other names: short protein forms N319D.
Identifiers: ClinVar variation 5032689 (VCV005032689.1).